The following is an entry in ClinVar:

ClinVar aggregate classification (germline): Conflicting classifications of pathogenicity. Review status: criteria provided, conflicting classifications (1 of 4 stars). 2 submissions from 1 submitter: Uncertain significance (1); Benign (1). Last evaluated 2018-01-13.

Conditions:
Optic atrophy 3 (OPA3). Also called: OPTIC ATROPHY 3, AUTOSOMAL DOMINANT; Optic atrophy, cataract, and neurologic disorder; Optic atrophy 3 with cataract. Identifiers: Orphanet 67036, MedGen C1833809, MONDO:0008133, OMIM 165300.
3-Methylglutaconic aciduria type 3 (MGCA3). Also called: OPA3, AUTOSOMAL RECESSIVE; OPTIC ATROPHY 3, AUTOSOMAL RECESSIVE; Costeff Syndrome; OPA3-Related 3-Methylglutaconic Aciduria. Identifiers: Orphanet 67047, MedGen C0574084, MONDO:0009787, OMIM 258501.

Allele frequency attached by ClinVar (database versions not stated): gnomAD exomes 0.00005; gnomAD 0.00040 and 0.00052; TOPMed 0.00054; 1000 Genomes Project 30x 0.00328; 1000 Genomes Project 0.00339.

Submissions (2):

Illumina Laboratory Services, Illumina
Classification: Benign for Optic atrophy 3. Last evaluated: 2018-01-13. Review status: criteria provided, single submitter. Criteria: ICSL Variant Classification Criteria 13 December 2019. Collection method: clinical testing. Allele origin: germline.
Comment: This variant was observed in the ICSL laboratory as part of a predisposition screen in an ostensibly healthy population. It had not been previously curated by ICSL or reported in the Human Gene Mutation Database (HGMD: prior to June 1st, 2018), and was therefore a candidate for classification through an automated scoring system. Utilizing variant allele frequency, disease prevalence and penetrance estimates, and inheritance mode, an automated score was calculated to assess if this variant is too frequent to cause the disease. Based on the score and internal cut-off values, a variant classified as benign is not then subjected to further curation. The score for this variant resulted in a classification of benign for this disease.

Illumina Laboratory Services, Illumina
Classification: Uncertain significance for 3-Methylglutaconic aciduria type 3. Last evaluated: 2018-01-13. Review status: criteria provided, single submitter. Criteria: ICSL Variant Classification Criteria 13 December 2019. Collection method: clinical testing. Allele origin: germline.

NM_025136.4(OPA3):c.*7181G>A

Genes: OPA3 (outer mitochondrial membrane lipid metabolism regulator OPA3; minus strand), OPA3-RTN2 (OPA3-RTN2 readthrough; minus strand). Cytogenetic location: 19q13.32.
Variant type: single nucleotide variant.
Coding change: c.*7181G>A on transcript NM_025136.4 (MANE Select); 7181 bases downstream of the stop codon, G replaced by A.
Molecular consequence: 3 prime UTR variant. On other transcripts: intron variant (1).
Genome position (GRCh38, 1-based): chr19:45,546,333, C>T on the plus strand (G>A on the coding strand, the complement: OPA3 is on the minus strand). VCF-style: chr19-45546333-C-T. GRCh37 (hg19) VCF-style: chr19-46049591-C-T.
Other names: c.143-16877G>A (NM_001017989.3).
Identifiers: ClinVar variation 329551 (VCV000329551.5), dbSNP rs74253369, ClinGen allele CA10642966.